The following is an entry in ClinVar:

ClinVar aggregate classification (germline): Uncertain significance (1 of 4 stars; one submission).

Allele frequency attached by ClinVar (database versions not stated): gnomAD exomes 0.00001; ExAC 0.00004; TOPMed 0.00004.
gnomAD v4.1: 12 of 1,614,024 alleles (0.00074%); highest among the groups gnomAD compares: Admixed American, 0.013%; no homozygotes.

Submission:

Labcorp Genetics (formerly Invitae), Labcorp
Classification: Uncertain significance. Last evaluated: 2022-08-22. Review status: criteria provided, single submitter. Criteria: Invitae Variant Classification Sherloc (09022015). Collection method: clinical testing. Allele origin: germline.
Comment: This sequence change replaces arginine, which is basic and polar, with histidine, which is basic and polar, at codon 856 of the FAT2 protein (p.Arg856His). This variant is present in population databases (rs747640599, gnomAD 0.02%). This variant has not been reported in the literature in individuals affected with FAT2-related conditions. Algorithms developed to predict the effect of missense changes on protein structure and function output the following: SIFT: "Deleterious"; PolyPhen-2: "Benign"; Align-GVGD: "Class C0". The histidine amino acid residue is found in multiple mammalian species, which suggests that this missense change does not adversely affect protein function. In summary, the available evidence is currently insufficient to determine the role of this variant in disease. Therefore, it has been classified as a Variant of Uncertain Significance.

NM_001447.3(FAT2):c.2567G>A (p.Arg856His)

Gene: FAT2 (FAT atypical cadherin 2; minus strand). Cytogenetic location: 5q33.1.
Variant type: single nucleotide variant.
Coding change: c.2567G>A on transcript NM_001447.3 (MANE Select); coding-DNA position 2567, G replaced by A.
Protein change: p.Arg856His; replaces arginine 856 with histidine.
Molecular consequence: missense variant.
Genome position (GRCh38, 1-based): chr5:151,566,365, C>T on the plus strand (G>A on the coding strand, the complement: FAT2 is on the minus strand). VCF-style: chr5-151566365-C-T. GRCh37 (hg19) VCF-style: chr5-150945926-C-T.
Other names: short protein forms R856H.
Identifiers: ClinVar variation 1921474 (VCV001921474.5), dbSNP rs747640599, ClinGen allele CA3522044.
Genomic context (GRCh38, chr5:151,566,365, plus strand): 5'-ACCAGTTCCCCAGTGAGAGGGTGGAGGGAGAACTTCTCTGTGGGACTTAGCAGGGTGTAG[C>T]GAACCCTGCCATTGTCTTCCGAGTCAGCATCTTTGGTTGTCAGCTCTGCAATTGTGGTTC-3'
Protein context (NP_001438.1, residues 846-866): DADSEDNGRV[Arg856His]YTLLSPTEKF